The following is an entry in ClinVar:

ClinVar aggregate classification (germline): Uncertain significance. Review status: criteria provided, multiple submitters, no conflicts (2 of 4 stars). 2 submissions from 2 submitters: Uncertain significance (2). Last evaluated 2024-07-02.

Conditions:
Schaaf-Yang syndrome (SHFYNG). Also called: MAGEL2-related Prader-Willi-like syndrome; Arthrogryposis, distal, with hypopituitarism, intellectual disability, and facial anomalies. Identifiers: Orphanet 398069, MedGen C5575066, MONDO:0014243, OMIM 615547.

Allele frequency attached by ClinVar (database versions not stated): TOPMed below 0.00001; gnomAD 0.00001.
gnomAD v4.1: 1 of 1,613,862 alleles (0.000062%); no homozygotes.

Submissions (2):

Labcorp Genetics (formerly Invitae), Labcorp
Classification: Uncertain significance. Last evaluated: 2024-07-02. Review status: criteria provided, single submitter. Criteria: Invitae Variant Classification Sherloc (09022015). Collection method: clinical testing. Allele origin: germline.
Comment: This sequence change replaces serine, which is neutral and polar, with isoleucine, which is neutral and non-polar, at codon 788 of the MAGEL2 protein (p.Ser788Ile). This variant is not present in population databases (gnomAD no frequency). This variant has not been reported in the literature in individuals affected with MAGEL2-related conditions. ClinVar contains an entry for this variant (Variation ID: 1696497). Advanced modeling of protein sequence and biophysical properties (such as structural, functional, and spatial information, amino acid conservation, physicochemical variation, residue mobility, and thermodynamic stability) performed at Invitae indicates that this missense variant is not expected to disrupt MAGEL2 protein function with a negative predictive value of 80%. In summary, the available evidence is currently insufficient to determine the role of this variant in disease. Therefore, it has been classified as a Variant of Uncertain Significance.

New York Genome Center
Classification: Uncertain significance for Schaaf-Yang syndrome. Last evaluated: 2021-07-09. Review status: criteria provided, single submitter. Criteria: NYGC Assertion Criteria 2020. Collection method: clinical testing. Allele origin: inherited. Observed: 1 heterozygote. Study: CSER-NYCKidSeq.

NM_019066.5(MAGEL2):c.2363G>T (p.Ser788Ile)

Gene: MAGEL2 (MAGE family member L2; minus strand). Cytogenetic location: 15q11.2.
Variant type: single nucleotide variant.
Coding change: c.2363G>T on transcript NM_019066.5 (MANE Select); coding-DNA position 2363, G replaced by T.
Protein change: p.Ser788Ile; replaces serine 788 with isoleucine.
Molecular consequence: missense variant.
Genome position (GRCh38, 1-based): chr15:23,645,380, C>A on the plus strand (G>T on the coding strand, the complement: MAGEL2 is on the minus strand). VCF-style: chr15-23645380-C-A. GRCh37 (hg19) VCF-style: chr15-23890527-C-A.
Other names: short protein forms S788I.
Identifiers: ClinVar variation 1696497 (VCV001696497.3), dbSNP rs984557516, ClinGen allele CA391332122.